The following is an entry in ClinVar:

NM_024577.4(SH3TC2):c.452T>C (p.Val151Ala)

Gene: SH3TC2 (SH3 domain and tetratricopeptide repeats 2; minus strand). Cytogenetic location: 5q32.
Variant type: single nucleotide variant.
Coding change: c.452T>C on transcript NM_024577.4 (MANE Select); coding-DNA position 452, T replaced by C.
Protein change: p.Val151Ala; replaces valine 151 with alanine.
Molecular consequence: missense variant.
Genome position (GRCh38, 1-based): chr5:149,042,771, A>G on the plus strand (T>C on the coding strand, the complement: SH3TC2 is on the minus strand). VCF-style: chr5-149042771-A-G. GRCh37 (hg19) VCF-style: chr5-148422334-A-G.
Other names: short protein forms V151A.
Identifiers: ClinVar variation 1450660 (VCV001450660.10), dbSNP rs779715536, ClinGen allele CA3499498.
Genomic context (GRCh38, chr5:149,042,771, plus strand): 5'-CCCAGGTATATTGTTTCCAGGTGTTTATCATCTACAGACACTTGGATCTCTGTATCCTCC[A>G]CCAATATGCAGTTGAGCCAGTACTTGTGGTCAAAGAGGAGATGTTCTAGACACATGGATA-3'
Protein context (NP_078853.2, residues 141-161): DHKYWLNCIL[Val151Ala]EDTEIQVSVD

ClinVar aggregate classification (germline): Uncertain significance. Review status: criteria provided, multiple submitters, no conflicts (2 of 4 stars). 2 submissions from 2 submitters: Uncertain significance (2). Last evaluated 2021-05-26.

Conditions:
Inborn genetic diseases. Identifiers: MedGen C0950123, MeSH D030342.
Charcot-Marie-Tooth disease type 4. Also called: Charcot-Marie-Tooth disease, type IV; Charcot-Marie-Tooth, Type 4. Identifiers: Orphanet 64749, MedGen C4082197, MONDO:0018995.

Allele frequency attached by ClinVar (database versions not stated): gnomAD exomes below 0.00001; ExAC 0.00001.
gnomAD v4.1: 1 of 1,614,182 alleles (0.000062%); highest among the groups gnomAD compares: Non-Finnish European, 0.000085%; no homozygotes.

Submissions (2):

Labcorp Genetics (formerly Invitae), Labcorp
Classification: Uncertain significance for Charcot-Marie-Tooth disease type 4. Last evaluated: 2021-05-26. Review status: criteria provided, single submitter. Criteria: Invitae Variant Classification Sherloc (09022015). Collection method: clinical testing. Allele origin: germline.
Comment: This variant has not been reported in the literature in individuals with SH3TC2-related conditions. In summary, the available evidence is currently insufficient to determine the role of this variant in disease. Therefore, it has been classified as a Variant of Uncertain Significance. Advanced modeling of protein sequence and biophysical properties (such as structural, functional, and spatial information, amino acid conservation, physicochemical variation, residue mobility, and thermodynamic stability) performed at Invitae indicates that this missense variant is not expected to disrupt SH3TC2 protein function. This variant is present in population databases (rs779715536, ExAC 0.001%). This sequence change replaces valine with alanine at codon 151 of the SH3TC2 protein (p.Val151Ala). The valine residue is highly conserved and there is a small physicochemical difference between valine and alanine.

Ambry Genetics
Classification: Uncertain significance for Inborn genetic diseases. Last evaluated: 2020-03-24. Review status: criteria provided, single submitter. Criteria: Ambry Variant Classification Scheme 2023. Collection method: clinical testing. Allele origin: germline.
Comment: The p.V151A variant (also known as c.452T>C), located in coding exon 5 of the SH3TC2 gene, results from a T to C substitution at nucleotide position 452. The valine at codon 151 is replaced by alanine, an amino acid with similar properties. This amino acid position is highly conserved in available vertebrate species. In addition, the in silico prediction for this alteration is inconclusive. Since supporting evidence is limited at this time, the clinical significance of this alteration remains unclear.